The following continues an entry in ClinVar:

NM_004360.5(CDH1):c.1849G>A (p.Ala617Thr)

Gene: CDH1. ClinVar aggregate classification (germline): Benign. Benign (1).

Submissions 20 to 32 of 32:

GeneDx
Classification: Benign. Last evaluated: 2013-10-29. Review status: criteria provided, single submitter. Criteria: GeneDx Variant Classification (06012015). Collection method: clinical testing. Allele origin: germline. Affected: yes. Not counted in ClinVar's aggregate classification.
Comment: This variant is considered likely benign or benign based on one or more of the following criteria: it is a conservative change, it occurs at a poorly conserved position in the protein, it is predicted to be benign by multiple in silico algorithms, and/or has population frequency not consistent with disease.

Breakthrough Genomics
Classification: Benign. Review status: criteria provided, single submitter. Criteria: ACMG Guidelines, 2015. Collection method: not provided. Allele origin: germline. Inheritance: Autosomal dominant inheritance. Affected: yes. Not counted in ClinVar's aggregate classification.

True Health Diagnostics
Classification: Benign for Hereditary cancer-predisposing syndrome. Last evaluated: 2017-10-10. Review status: no assertion criteria provided. Collection method: clinical testing. Allele origin: germline. Not counted in ClinVar's aggregate classification.

Counsyl
Classification: Benign for Hereditary diffuse gastric adenocarcinoma. Last evaluated: 2016-03-23. Review status: no assertion criteria provided. Collection method: clinical testing. Allele origin: unknown. Not counted in ClinVar's aggregate classification.

ITMI
No classification provided. Condition: AllHighlyPenetrant. Last evaluated: 2013-09-19. Review status: no classification provided. Collection method: reference population. Allele origin: germline. Not counted in ClinVar's aggregate classification.
Comment: Please see associated publication for description of ethnicities

Biesecker Lab/Clinical Genomics Section, National Institutes of Health
Classification: Benign. Last evaluated: 2012-07-13. Review status: no assertion criteria provided. Collection method: research. Allele origin: germline. Affected: no. Observed: 1 variant allele. Study: ClinSeq. Not counted in ClinVar's aggregate classification.
ClinVar note: Converted during submission from no known pathogenicity to Benign.

OMIM
Classification: Pathogenic for ENDOMETRIAL CARCINOMA, SOMATIC. Last evaluated: 2003-03-01. Review status: no assertion criteria provided. Collection method: literature only. Allele origin: somatic. Not counted in ClinVar's aggregate classification.

OMIM
Classification: Pathogenic for DIFFUSE GASTRIC AND LOBULAR BREAST CANCER SYNDROME. Last evaluated: 2003-03-01. Review status: no assertion criteria provided. Collection method: literature only. Allele origin: unknown. Not counted in ClinVar's aggregate classification.

Clinical Genetics, Academic Medical Center
Classification: Benign. Review status: no assertion criteria provided. Collection method: clinical testing. Allele origin: germline. Affected: yes. Study: VKGL Data-share Consensus. Not counted in ClinVar's aggregate classification.

Department of Pathology and Laboratory Medicine, Sinai Health System
Classification: Benign for Malignant tumor of breast. Review status: no assertion criteria provided. Collection method: clinical testing. Allele origin: unknown. Affected: yes. Observed: 1 variant allele. Study: The Canadian Open Genetics Repository (COGR). Not counted in ClinVar's aggregate classification.
Comment: The CDH1 p.Ala617Thr variant was identified in 7 of 540 proband chromosomes (frequency: 0.013) from individuals or families with osteoblastic osteosarcoma, gastric adenocarcinoma, breast cancer and was present in 14 (all in African American) of 716 (516 African American) control chromosomes (frequency: 0.02) from healthy individuals (Choy 2012, El-Husny 2014, Suriano 2003, Valente 2014). The variant was also identified in dbSNP (ID: rs33935154) as With Pathogenic allele, ClinVar (classified as benign by GeneDx, Ambry Genetics, Pathway Genomics, Invitae, Vantari Genetics, Coulsyl; classified as pathogenic by OMIM), Clinvitae (conflicting interpretations of pathogenicity by ClinVar), Cosmic (neutral), databases. The variant was not identified in MutDB, Zhejiang Colon Cancer Database, databases. The variant was identified in control databases in 1211(25 homozygous) of 277184 chromosomes at a frequency of 0.004 increasing the likelihood this could be a low frequency benign variant (Genome Aggregation Consortium Feb 27, 2017). The variant was identified in the following populations at a frequency greater than 1%: African in 1076 of 24022 chromosomes (freq: 0.045). The p.Ala617 residue is not conserved in mammals and four out of five computational analyses (PolyPhen-2, SIFT, AlignGVGD, BLOSUM, MutationTaster) do not suggest a high likelihood of impact to the protein; however, this information is not predictive enough to rule out pathogenicity. The variant occurs outside of the splicing consensus sequence and in silico or computational prediction software programs (SpliceSiteFinder, MaxEntScan, NNSPLICE, GeneSplicer, HumanSpliceFinder) do not predict a difference in splicing. The variant is located with the Cadherin Cadherin-like functional domain increasing the liklihood that it may have clinical significance. Functional analysis by Suriano (2003) identified cells expressing the Ala617Thr mutation showed the same non-invasive behavior as cells expressing wild-type protein. The case study by Lajus (2015) found the variant in a family with no history of diffuse gastric cancer. The daughter diagnosed with in situ breast cancer does not carry the CDH1 mutation. In summary, based on the above information this variant meets our laboratory's criteria to be classified as benign.

Genome Diagnostics Laboratory, Amsterdam University Medical Center
Classification: Benign. Review status: no assertion criteria provided. Collection method: clinical testing. Allele origin: germline. Affected: yes. Study: VKGL Data-share Consensus. Not counted in ClinVar's aggregate classification.

Joint Genome Diagnostic Labs from Nijmegen and Maastricht, Radboudumc and MUMC+
Classification: Benign. Review status: no assertion criteria provided. Collection method: clinical testing. Allele origin: germline. Affected: yes. Study: VKGL Data-share Consensus. Not counted in ClinVar's aggregate classification.

Mayo Clinic Laboratories, Mayo Clinic
Classification: Benign. Review status: no assertion criteria provided. Collection method: clinical testing. Allele origin: unknown. Not counted in ClinVar's aggregate classification.

Literature cited by the submitters: PubMed 36436516 (cited by European Reference Network on Genetic Tumour Risk Syndromes (ERN-GENTURIS), i3s - Instituto de Investigação e Inovação em Saúde, University of Porto); PubMed 11598162 (cited by Illumina Laboratory Services, Illumina and Counsyl); PubMed 12588804 (cited by 3 submitters); PubMed 25067988 (cited by Illumina Laboratory Services, Illumina); PubMed 8075649 (cited by Illumina Laboratory Services, Illumina and OMIM); PubMed 22470475 (cited by Illumina Laboratory Services, Illumina); PubMed 24728327 (cited by 3 submitters); PubMed 20233471 (cited by Pathway Genomics); PubMed 14500541 (cited by Counsyl).